The following is an entry in ClinVar:

ClinVar aggregate classification (germline): Pathogenic (1 of 4 stars; one submission).

Submission:

GeneDx
Classification: Pathogenic. Last evaluated: 2017-12-07. Review status: criteria provided, single submitter. Criteria: GeneDx Variant Classification (06012015). Collection method: clinical testing. Allele origin: germline. Affected: yes.
Comment: The Q1217X variant in the EHMT1 gene has not been reported previously as a pathogenic variant nor as a benign variant, to our knowledge. This variant is predicted to cause loss of normal protein function either through protein truncation or nonsense-mediated mRNA decay. The Q1217X variant is not observed in large population cohorts (Lek et al., 2016). Therefore, we interpret Q1217X as a pathogenic variant.

NM_024757.5(EHMT1):c.3649C>T (p.Gln1217Ter)

Gene: EHMT1 (euchromatic histone lysine methyltransferase 1; plus strand). Cytogenetic location: 9q34.3.
Variant type: single nucleotide variant.
Coding change: c.3649C>T on transcript NM_024757.5 (MANE Select); coding-DNA position 3649, C replaced by T.
Protein change: p.Gln1217Ter; replaces glutamine 1217 with a stop codon.
Molecular consequence: nonsense.
Genome position (GRCh38, 1-based): chr9:137,834,457, C>T. VCF-style: chr9-137834457-C-T. GRCh37 (hg19) VCF-style: chr9-140728909-C-T.
Other names: c.3628C>T, p.Gln1210Ter (NM_001354263.2); short protein forms Q1217*, Q1210*.
Identifiers: ClinVar variation 489228 (VCV000489228.2), dbSNP rs1554908411, ClinGen allele CA375781794.